The following is an entry in ClinVar:

ClinVar aggregate classification (germline): Uncertain significance (1 of 4 stars; one submission).

Conditions:
Familial isolated arrhythmogenic right ventricular dysplasia. Identifiers: Orphanet 217656, MedGen C4274968, MONDO:0016342.

Submission:

All of Us Research Program, National Institutes of Health
Classification: Uncertain significance for Familial isolated arrhythmogenic right ventricular dysplasia. Last evaluated: 2024-05-30. Review status: criteria provided, single submitter. Criteria: ACMG Guidelines, 2015. Collection method: clinical testing. Allele origin: germline. Inheritance: Autosomal dominant inheritance. Observed: 1 variant allele, 1 heterozygote.
Comment: This variant deletes 1 nucleotide in exon 12 of the DSC2 gene, creating a frameshift and premature translation stop signal. This variant is expected to result in an absent or non-functional protein product. To our knowledge, this variant has not been reported in individuals affected with DSC2-related disorders in the literature. This variant has not been identified in the general population by the Genome Aggregation Database (gnomAD). Although there is a suspicion for a pathogenic role, clinical relevance of loss-of-function DSC2 truncation and splice variants in autosomal dominant arrhythmogenic cardiomyopathy is not yet clearly established. The available evidence is insufficient to determine the role of this variant in disease conclusively. Therefore, this variant is classified as a Variant of Uncertain Significance.

This study involves interpretation of variants in research participants for the purpose of population health screening. Participant phenotype was not available at the time of variant classification. Additional details can be found in publication PMID: 35346344, PMCID: PMC8962531

NM_024422.6(DSC2):c.1683del (p.Thr562fs)

Gene: DSC2 (desmocollin 2; minus strand). Cytogenetic location: 18q12.1.
Variant type: Deletion.
Coding change: c.1683del on transcript NM_024422.6 (MANE Select); coding-DNA position 1683, one base deleted (G; older notation c.1683delG).
Protein change: p.Thr562fs; shifts the reading frame from threonine 562.
Molecular consequence: frameshift variant.
Genome position (GRCh38, 1-based): chr18:31,074,888, C deleted on the plus strand (G on the coding strand, the reverse complement: DSC2 is on the minus strand); the first of 4 consecutive C bases (chr18:31,074,888-31,074,891); deleting any one gives the same sequence. VCF-style (leftmost placement, unchanged base first): chr18-31074887-TC-T. GRCh37 (hg19) VCF-style: chr18-28654853-TC-T.
Other names: c.1254del, p.Thr419fs (NM_001406506.1, NM_001406507.1); c.1683del, p.Thr562fs (NM_004949.5); short protein forms T419fs, T562fs.
Identifiers: ClinVar variation 3386521 (VCV003386521.1).
Genomic context (GRCh38, chr18:31,074,887, plus strand): 5'-CTGTCTTTTTAGGTATGAATGGGCTGTTATCATTCACGTCTTGAAGTATAATGCCCAGTG[TC>T]CCCGTACATGTTCTCCCTCCTAGAAAAATGAAAATAAAAATAGTTTTTCTATGTTTTGAG-3'